The following is an entry in ClinVar:

ClinVar aggregate classification (germline): Uncertain significance (1 of 4 stars; one submission).

Allele frequency attached by ClinVar (database versions not stated): gnomAD exomes below 0.00001; ExAC 0.00001.
gnomAD v4.1: 5 of 1,613,114 alleles (0.00031%); highest among the groups gnomAD compares: Non-Finnish European, 0.00042%; no homozygotes.

Submission:

Labcorp Genetics (formerly Invitae), Labcorp
Classification: Uncertain significance. Last evaluated: 2023-07-31. Review status: criteria provided, single submitter. Criteria: Invitae Variant Classification Sherloc (09022015). Collection method: clinical testing. Allele origin: germline.
Comment: This sequence change replaces isoleucine, which is neutral and non-polar, with valine, which is neutral and non-polar, at codon 301 of the NR2F1 protein (p.Ile301Val). This variant is not present in population databases (gnomAD no frequency). This variant has not been reported in the literature in individuals affected with NR2F1-related conditions. Advanced modeling of protein sequence and biophysical properties (such as structural, functional, and spatial information, amino acid conservation, physicochemical variation, residue mobility, and thermodynamic stability) performed at Invitae indicates that this missense variant is not expected to disrupt NR2F1 protein function. In summary, the available evidence is currently insufficient to determine the role of this variant in disease. Therefore, it has been classified as a Variant of Uncertain Significance.

NM_005654.6(NR2F1):c.901A>G (p.Ile301Val)

Gene: NR2F1 (nuclear receptor subfamily 2 group F member 1; plus strand). Cytogenetic location: 5q15.
Variant type: single nucleotide variant.
Coding change: c.901A>G on transcript NM_005654.6 (MANE Select); coding-DNA position 901, A replaced by G.
Protein change: p.Ile301Val; replaces isoleucine 301 with valine.
Molecular consequence: missense variant.
Genome position (GRCh38, 1-based): chr5:93,588,354, A>G. VCF-style: chr5-93588354-A-G. GRCh37 (hg19) VCF-style: chr5-92924060-A-G.
Other names: c.451A>G, p.Ile151Val (NM_001410754.1); short protein forms I301V, I151V.
Identifiers: ClinVar variation 2873802 (VCV002873802.3), dbSNP rs767837139, ClinGen allele CA3343186.
Genomic context (GRCh38, chr5:93,588,354, plus strand): 5'-GGCCTGCATGCCTCGCCCATGTCTGCCGACCGCGTCGTGGCCTTCATGGACCACATCCGC[A>G]TCTTCCAGGAGCAGGTGGAGAAGCTCAAGGCGCTACACGTCGACTCAGCCGAGTACAGCT-3'
Protein context (NP_005645.1, residues 291-311): RVVAFMDHIR[Ile301Val]FQEQVEKLKA